The following is an entry in ClinVar:

ClinVar aggregate classification (germline): Likely benign. Review status: criteria provided, multiple submitters, no conflicts (2 of 4 stars). 4 submissions from 4 submitters: Likely benign (3). 1 of the submissions does not count toward it. Last evaluated 2025-11-10.

Conditions:
FGFR3-related disorder. Also called: FGFR3-related disorders.

Allele frequency attached by ClinVar (database versions not stated): gnomAD 0.00007; 1000 Genomes Project 30x 0.00016; TOPMed 0.00003; ESP Exome Variant Server 0.00008; 1000 Genomes Project 0.00020.

Submissions (4):

Women's Health and Genetics/Laboratory Corporation of America, LabCorp
Classification: Likely benign. Last evaluated: 2025-11-10. Review status: criteria provided, single submitter. Criteria: LabCorp Variant Classification Summary - May 2015. Collection method: clinical testing. Allele origin: germline.

Labcorp Genetics (formerly Invitae), Labcorp
Classification: Likely benign. Last evaluated: 2025-06-23. Review status: criteria provided, single submitter. Criteria: Invitae Variant Classification Sherloc (09022015). Collection method: clinical testing. Allele origin: germline.

Athena Diagnostics
Classification: Likely benign. Last evaluated: 2019-01-23. Review status: criteria provided, single submitter. Criteria: Athena Diagnostics Criteria. Collection method: clinical testing. Allele origin: germline.

PreventionGenetics, part of Exact Sciences
Classification: Likely benign for FGFR3-related condition. Last evaluated: 2019-06-19. Review status: no assertion criteria provided. Collection method: clinical testing. Allele origin: germline. Not counted in ClinVar's aggregate classification.
Comment: This variant is classified as likely benign based on ACMG/AMP sequence variant interpretation guidelines (Richards et al. 2015 PMID: 25741868, with internal and published modifications).

NM_000142.5(FGFR3):c.2148C>T (p.Pro716=)

Gene: FGFR3 (fibroblast growth factor receptor 3; plus strand). Cytogenetic location: 4p16.3.
Variant type: single nucleotide variant.
Coding change: c.2148C>T on transcript NM_000142.5 (MANE Select); coding-DNA position 2148, C replaced by T.
Protein change: p.Pro716=; no amino-acid change (proline 716 retained).
Molecular consequence: synonymous variant. On other transcripts: missense variant (1), non-coding transcript variant (1).
Genome position (GRCh38, 1-based): chr4:1,806,663, C>T. VCF-style: chr4-1806663-C-T. GRCh37 (hg19) VCF-style: chr4-1808390-C-T.
Other names: c.2154C>T, p.Pro718= (NM_001163213.2); c.2151C>T, p.Pro717= (NM_001354809.2); c.2080C>T, p.Arg694Cys (NM_001354810.2); c.1812C>T, p.Pro604= (NM_022965.4); c.2080C>T (NM_001354810.1); short protein forms R694C.
Identifiers: ClinVar variation 804802 (VCV000804802.12), dbSNP rs373967853, ClinGen allele CA2810728.